The following is an entry in ClinVar:

NM_031844.3(HNRNPU):c.517C>T (p.Pro173Ser)

Gene: HNRNPU (heterogeneous nuclear ribonucleoprotein U; minus strand). Cytogenetic location: 1q44.
Variant type: single nucleotide variant.
Coding change: c.517C>T on transcript NM_031844.3 (MANE Select); coding-DNA position 517, C replaced by T.
Protein change: p.Pro173Ser; replaces proline 173 with serine.
Molecular consequence: missense variant.
Genome position (GRCh38, 1-based): chr1:244,863,791, G>A on the plus strand (C>T on the coding strand, the complement: HNRNPU is on the minus strand). VCF-style: chr1-244863791-G-A. GRCh37 (hg19) VCF-style: chr1-245027093-G-A.
Other names: c.517C>T, p.Pro173Ser (NM_004501.3); short protein forms P173S.
Identifiers: ClinVar variation 4779604 (VCV004779604.1).

ClinVar aggregate classification (germline): Uncertain significance (1 of 4 stars; one submission).

Conditions:
Developmental and epileptic encephalopathy, 54. Also called: Epileptic encephalopathy, early infantile, 54; HNRNPU-Related Neurodevelopmental Disorder. Identifiers: MedGen C4479319, MONDO:0033363, OMIM 617391.

gnomAD v4.1: 3 of 1,606,670 alleles (0.00019%); highest among the groups gnomAD compares: African/African-American, 0.0027%; no homozygotes.

Submission:

Labcorp Genetics (formerly Invitae), Labcorp
Classification: Uncertain significance for Developmental and epileptic encephalopathy, 54. Last evaluated: 2025-04-23. Review status: criteria provided, single submitter. Criteria: Invitae Variant Classification Sherloc (09022015). Collection method: clinical testing. Allele origin: germline.
Comment: This sequence change replaces proline, which is neutral and non-polar, with serine, which is neutral and polar, at codon 173 of the HNRNPU protein (p.Pro173Ser). This variant is present in population databases (no rsID available, gnomAD 0.01%). This variant has not been reported in the literature in individuals affected with HNRNPU-related conditions. Invitae Evidence Modeling of protein sequence and biophysical properties (such as structural, functional, and spatial information, amino acid conservation, physicochemical variation, residue mobility, and thermodynamic stability) indicates that this missense variant is not expected to disrupt HNRNPU protein function with a negative predictive value of 95%. In summary, the available evidence is currently insufficient to determine the role of this variant in disease. Therefore, it has been classified as a Variant of Uncertain Significance.